The following is an entry in ClinVar:

ClinVar aggregate classification (germline): Uncertain significance (1 of 4 stars; one submission).

Conditions:
Intellectual developmental disorder, autosomal dominant 22. Also called: Intellectual disability, autosomal dominant 22. Identifiers: MedGen CN029689, MONDO:0012869, OMIM 612337.

Submission:

Laboratorio de Genetica e Diagnostico Molecular, Hospital Israelita Albert Einstein
Classification: Uncertain significance for Intellectual developmental disorder, autosomal dominant 22. Last evaluated: 2026-02-27. Review status: criteria provided, single submitter. Criteria: ACMG Guidelines, 2015. Collection method: clinical testing. Allele origin: germline. Affected: yes.
Comment: ACMG classification criteria: PM2 supporting, PP2 supporting

NM_205768.3(ZBTB18):c.34T>C (p.Phe12Leu)

Gene: ZBTB18 (zinc finger and BTB domain containing 18; plus strand). Cytogenetic location: 1q44.
Variant type: single nucleotide variant.
Coding change: c.34T>C on transcript NM_205768.3 (MANE Select); coding-DNA position 34, T replaced by C.
Protein change: p.Phe12Leu; replaces phenylalanine 12 with leucine.
Molecular consequence: missense variant.
Genome position (GRCh38, 1-based): chr1:244,053,808, T>C. VCF-style: chr1-244053808-T-C. GRCh37 (hg19) VCF-style: chr1-244217110-T-C.
Other names: c.7T>C, p.Phe3Leu (NM_001278196.2, NM_006352.5); c.34T>C, p.Phe12Leu (NM_001421566.1); short protein forms F12L, F3L.
Identifiers: ClinVar variation 4846964 (VCV004846964.1).